The following is an entry in ClinVar:

NM_001365999.1(SZT2):c.2222T>G (p.Val741Gly)

Gene: SZT2 (SZT2 subunit of KICSTOR complex; plus strand). Cytogenetic location: 1p34.2.
Variant type: single nucleotide variant.
Coding change: c.2222T>G on transcript NM_001365999.1 (MANE Select); coding-DNA position 2222, T replaced by G.
Protein change: p.Val741Gly; replaces valine 741 with glycine.
Molecular consequence: missense variant.
Genome position (GRCh38, 1-based): chr1:43,423,283, T>G. VCF-style: chr1-43423283-T-G. GRCh37 (hg19) VCF-style: chr1-43888954-T-G.
Other names: c.2222T>G, p.Val741Gly (NM_015284.4); short protein forms V741G.
Identifiers: ClinVar variation 1983662 (VCV001983662.4), dbSNP rs2545809306, ClinGen allele CA340011414.

ClinVar aggregate classification (germline): Uncertain significance (1 of 4 stars; one submission).

Submission:

Labcorp Genetics (formerly Invitae), Labcorp
Classification: Uncertain significance. Last evaluated: 2022-04-28. Review status: criteria provided, single submitter. Criteria: Invitae Variant Classification Sherloc (09022015). Collection method: clinical testing. Allele origin: germline.
Comment: This variant has not been reported in the literature in individuals affected with SZT2-related conditions. In summary, the available evidence is currently insufficient to determine the role of this variant in disease. Therefore, it has been classified as a Variant of Uncertain Significance. Algorithms developed to predict the effect of missense changes on protein structure and function are either unavailable or do not agree on the potential impact of this missense change (SIFT: "Deleterious"; PolyPhen-2: "Probably Damaging"; Align-GVGD: "Class C0"). This variant is not present in population databases (gnomAD no frequency). This sequence change replaces valine, which is neutral and non-polar, with glycine, which is neutral and non-polar, at codon 741 of the SZT2 protein (p.Val741Gly).